The following is an entry in ClinVar:

ClinVar aggregate classification (germline): Conflicting classifications of pathogenicity. Review status: criteria provided, conflicting classifications (1 of 4 stars). 12 submissions from 12 submitters: Uncertain significance (2); Benign (1); Likely benign (7). 2 of the submissions do not count toward it. Last evaluated 2026-01-19.

Conditions:
APC-related disorder. Also called: APC-related condition.
Hereditary cancer-predisposing syndrome. Also called: Neoplastic Syndromes, Hereditary; Tumor predisposition; Hereditary Cancer Syndrome; Hereditary neoplastic syndrome. Identifiers: Orphanet 140162, MedGen C0027672, MeSH D009386, MONDO:0015356.
Familial adenomatous polyposis 1 (FAP1). Also called: FAMILIAL ADENOMATOUS POLYPOSIS 1, ATTENUATED; POLYPOSIS, ADENOMATOUS INTESTINAL. Identifiers: MedGen C2713442, MONDO:0021056, OMIM 175100. Disease mechanism: loss of function.
Gardner syndrome (GS). Also called: Gardner's syndrome; Polyposis coli and multiple hard and soft tissue tumors; Intestinal polyposis, osteomas, sebaceous cysts. Identifiers: MedGen C0017097, MONDO:0019336. Disease mechanism: loss of function.

Allele frequency attached by ClinVar (database versions not stated): gnomAD 0.00003; gnomAD exomes 0.00004 and 0.00008; TOPMed 0.00004; ExAC 0.00007.
gnomAD v4.1: 66 of 1,611,066 alleles (0.0041%); highest among the groups gnomAD compares: Middle Eastern, 0.016%; no homozygotes.

Submissions (12):

Labcorp Genetics (formerly Invitae), Labcorp
Classification: Likely benign for Familial adenomatous polyposis 1. Last evaluated: 2026-01-19. Review status: criteria provided, single submitter. Criteria: Invitae Variant Classification Sherloc (09022015). Collection method: clinical testing. Allele origin: germline.

Color Diagnostics, LLC DBA Color Health
Classification: Benign for Hereditary cancer-predisposing syndrome. Last evaluated: 2024-09-19. Review status: criteria provided, single submitter. Criteria: ACMG Guidelines, 2015. Collection method: clinical testing. Allele origin: germline.

Myriad Genetics, Inc.
Classification: Uncertain significance for Familial adenomatous polyposis 1. Last evaluated: 2023-02-17. Review status: criteria provided, single submitter. Criteria: Myriad Autosomal Dominant, Autosomal Recessive and X-Linked Classification Criteria (2023). Collection method: clinical testing. Allele origin: unknown.
Comment: This variant is classified as a variant of uncertain significance as there is insufficient evidence to determine its impact on protein function and/or cancer risk.

Department of Pathology and Laboratory Medicine, Sinai Health System
Classification: Likely benign. Last evaluated: 2022-06-01. Review status: criteria provided, single submitter. Criteria: ACMG Guidelines, 2015. Collection method: clinical testing. Allele origin: germline. Affected: yes.

Sema4
Classification: Likely benign for Hereditary cancer-predisposing syndrome. Last evaluated: 2021-04-29. Review status: criteria provided, single submitter. Criteria: Sema4 Curation Guidelines. Collection method: curation. Allele origin: germline.

Women's Health and Genetics/Laboratory Corporation of America, LabCorp
Classification: Likely benign. Last evaluated: 2020-09-14. Review status: criteria provided, single submitter. Criteria: LabCorp Variant Classification Summary - May 2015. Collection method: clinical testing. Allele origin: germline.
Comment: Variant summary: APC c.848G>A (p.Arg283Gln) results in a conservative amino acid change in the encoded protein sequence. Three of five in-silico tools predict a benign effect of the variant on protein function. The variant allele was found at a frequency of 8.4e-05 in 251064 control chromosomes. The observed variant frequency is approximately 1.2 fold of the estimated maximal expected allele frequency for a pathogenic variant in APC causing Familial Adenomatous Polyposis phenotype (7.1e-05), suggesting that the variant is benign. c.848G>A has been reported in the literature in individuals affected with Lynch Syndrome (Yurgelun_2015). This report does not provide unequivocal conclusions about association of the variant with Familial Adenomatous Polyposis. Six clinical diagnostic laboratories have submitted clinical-significance assessments for this variant to ClinVar after 2014 without evidence for independent evaluation. Multiple laboratories reported the variant with conflicting assessments (likely benign n=3, VUS n=3). Based on the evidence outlined above, the variant was classified as likely benign.

Genetic Services Laboratory, University of Chicago
Classification: Likely benign. Last evaluated: 2020-03-18. Review status: criteria provided, single submitter. Criteria: ACMG Guidelines, 2015. Collection method: clinical testing. Allele origin: germline. Affected: no.

GeneDx
Classification: Likely benign. Last evaluated: 2019-12-01. Review status: criteria provided, single submitter. Criteria: GeneDx Variant Classification Process June 2021. Collection method: clinical testing. Allele origin: germline. Affected: yes.
Comment: This variant is associated with the following publications: (PMID: 29684080, 27882345, 25980754, 25801821)

Ambry Genetics
Classification: Likely benign for Hereditary cancer-predisposing syndrome. Last evaluated: 2019-03-13. Review status: criteria provided, single submitter. Criteria: Ambry Variant Classification Scheme 2023. Collection method: clinical testing. Allele origin: germline.

Mendelics
Classification: Uncertain significance for Familial adenomatous polyposis 1. Last evaluated: 2018-07-02. Review status: criteria provided, single submitter. Criteria: Mendelics Assertion Criteria 2017. Collection method: clinical testing. Allele origin: unknown.

PreventionGenetics, part of Exact Sciences
Classification: Likely benign for APC-related condition. Last evaluated: 2023-11-08. Review status: no assertion criteria provided. Collection method: clinical testing. Allele origin: germline. Not counted in ClinVar's aggregate classification.
Comment: This variant is classified as likely benign based on ACMG/AMP sequence variant interpretation guidelines (Richards et al. 2015 PMID: 25741868, with internal and published modifications).

Counsyl
Classification: Uncertain significance for Familial adenomatous polyposis 1. Last evaluated: 2016-10-26. Review status: no assertion criteria provided. Collection method: clinical testing. Allele origin: unknown. Not counted in ClinVar's aggregate classification.

Literature cited by the submitters: PubMed 25980754 (cited by Department of Pathology and Laboratory Medicine, Sinai Health System and Women's Health and Genetics/Laboratory Corporation of America, LabCorp).

NM_000038.6(APC):c.848G>A (p.Arg283Gln)

Gene: APC (APC regulator of Wnt signaling pathway; plus strand). Cytogenetic location: 5q22.2.
Variant type: single nucleotide variant.
Coding change: c.848G>A on transcript NM_000038.6 (MANE Select); coding-DNA position 848, G replaced by A.
Protein change: p.Arg283Gln; replaces arginine 283 with glutamine.
Molecular consequence: missense variant. On other transcripts: 5 prime UTR variant (4), non-coding transcript variant (2).
Genome position (GRCh38, 1-based): chr5:112,815,508, G>A. VCF-style: chr5-112815508-G-A. GRCh37 (hg19) VCF-style: chr5-112151205-G-A.
Other names: p.R283Q:CGA>CAA; c.671G>A, p.Arg224Gln (NM_001354901.2, NM_001354905.2, NM_001407453.1 and 1 more transcripts); c.878G>A, p.Arg293Gln (NM_001354902.2, NM_001407446.1, NM_001354897.2); c.848G>A, p.Arg283Gln (NM_001354903.2, NM_001407447.1, NM_001407448.1 and 12 more transcripts); c.773G>A, p.Arg258Gln (NM_001354904.2, NM_001407451.1, NM_001354898.2); c.-2G>A (NM_001354906.2, NM_001407470.1, NM_001407471.1 and 2 more transcripts); c.764G>A, p.Arg255Gln (NM_001407452.1, NM_001407467.1, NM_001407469.1 and 1 more transcripts); c.794G>A, p.Arg265Gln (NM_001127511.3); short protein forms R265Q, R283Q, R258Q, R293Q, R224Q, R255Q.
Identifiers: ClinVar variation 142278 (VCV000142278.35), dbSNP rs149154604, ClinGen allele CA015555.